The following is an entry in ClinVar:

NM_000531.6(OTC):c.868-14C>T

Gene: OTC (ornithine transcarbamylase; plus strand). Cytogenetic location: Xp11.4.
Variant type: single nucleotide variant.
Coding change: c.868-14C>T on transcript NM_000531.6 (MANE Select); 14 bases into the intron before coding-DNA position 868, C replaced by T.
Molecular consequence: intron variant.
Genome position (GRCh38, 1-based): chrX:38,411,848, C>T. VCF-style: chrX-38411848-C-T. GRCh37 (hg19) VCF-style: chrX-38271101-C-T.
Identifiers: ClinVar variation 1458268 (VCV001458268.9), dbSNP rs1488225008, ClinGen allele CA640860042.
Genomic context (GRCh38, chrX:38,411,848, plus strand): 5'-TTTAGATACTGAAGAAAACAAATATGACTGCCACATATAATAGTCAAAAAGTGGTCTTAT[C>T]CCCATCTCTTTAGACTGCTAAAGTTGCTGCCTCTGACTGGACATTTTTACACTGCTTGCC-3'

ClinVar aggregate classification (germline): Likely benign. Review status: criteria provided, multiple submitters, no conflicts (2 of 4 stars). 2 submissions from 2 submitters: Likely benign (2). Last evaluated 2025-03-04.

Conditions:
Ornithine carbamoyltransferase deficiency (OTCD). Also called: OTC DEFICIENCY; ORNITHINE TRANSCARBAMYLASE DEFICIENCY; ORNITHINE TRANSCARBAMYLASE DEFICIENCY, HYPERAMMONEMIA DUE TO; Ornithine Carbamoyltransferase Deficiency Disease. Identifiers: Orphanet 664, MedGen C0268542, MONDO:0010703, OMIM 311250.

Allele frequency attached by ClinVar (database versions not stated): gnomAD exomes below 0.00001 and 0.00001.
gnomAD v4.1: 2 of 1,208,541 alleles (0.00017%); highest among the groups gnomAD compares: East Asian, 0.0059%; no homozygotes.

Submissions (2):

Labcorp Genetics (formerly Invitae), Labcorp
Classification: Likely benign for Ornithine carbamoyltransferase deficiency. Last evaluated: 2025-03-04. Review status: criteria provided, single submitter. Criteria: Invitae Variant Classification Sherloc (09022015). Collection method: clinical testing. Allele origin: germline.

All of Us Research Program, National Institutes of Health
Classification: Likely benign for Ornithine carbamoyltransferase deficiency. Last evaluated: 2023-10-23. Review status: criteria provided, single submitter. Criteria: ACMG Guidelines, 2015. Collection method: clinical testing. Allele origin: germline. Inheritance: X-linked inheritance. Observed: 1 variant allele, 1 heterozygote.
Comment: This study involves interpretation of variants in research participants for the purpose of population health screening. Participant phenotype was not available at the time of variant classification. Additional details can be found in publication PMID: 35346344, PMCID: PMC8962531